The following is an entry in ClinVar:

ClinVar aggregate classification (germline): Likely benign. Review status: criteria provided, single submitter (1 of 4 stars). 2 submissions from 2 submitters: Likely benign (1). 1 of the submissions does not count toward it. Last evaluated 2025-12-26.

Conditions:
CD96-related disorder. Also called: CD96-related condition.

Allele frequency attached by ClinVar (database versions not stated): ExAC 0.00067; gnomAD 0.00192 and 0.00207; TOPMed 0.00198; ESP Exome Variant Server 0.00262; 1000 Genomes Project 30x 0.00297; 1000 Genomes Project 0.00300.
gnomAD v4.1: 553 of 1,365,244 alleles (0.041%); highest among the groups gnomAD compares: African/African-American, 0.67%; 1 homozygote.

Submissions (2):

Labcorp Genetics (formerly Invitae), Labcorp
Classification: Likely benign. Last evaluated: 2025-12-26. Review status: criteria provided, single submitter. Criteria: Invitae Variant Classification Sherloc (09022015). Collection method: clinical testing. Allele origin: germline.

PreventionGenetics, part of Exact Sciences
Classification: Benign for CD96-related condition. Last evaluated: 2019-05-01. Review status: no assertion criteria provided. Collection method: clinical testing. Allele origin: germline. Not counted in ClinVar's aggregate classification.
Comment: This variant is classified as benign based on ACMG/AMP sequence variant interpretation guidelines (Richards et al. 2015 PMID: 25741868, with internal and published modifications).

NM_005816.5(CD96):c.811A>G (p.Arg271Gly)

Gene: CD96 (CD96 molecule; plus strand). Cytogenetic location: 3q13.13.
Variant type: single nucleotide variant.
Coding change: c.811A>G on transcript NM_005816.5 (MANE Select); coding-DNA position 811, A replaced by G.
Protein change: p.Arg271Gly; replaces arginine 271 with glycine.
Molecular consequence: missense variant. On other transcripts: non-coding transcript variant (1).
Genome position (GRCh38, 1-based): chr3:111,598,123, A>G. VCF-style: chr3-111598123-A-G. GRCh37 (hg19) VCF-style: chr3-111316970-A-G.
Other names: c.811A>G, p.Arg271Gly (NM_001318889.2); c.859A>G, p.Arg287Gly (NM_198196.3); short protein forms R287G, R271G.
Identifiers: ClinVar variation 709665 (VCV000709665.6), dbSNP rs141120514, ClinGen allele CA2534530.